The following is an entry in ClinVar:

NM_001040108.2(MLH3):c.205G>T (p.Val69Leu)

Gene: MLH3 (mutL homolog 3; minus strand). Cytogenetic location: 14q24.3.
Variant type: single nucleotide variant.
Coding change: c.205G>T on transcript NM_001040108.2 (MANE Select); coding-DNA position 205, G replaced by T.
Protein change: p.Val69Leu; replaces valine 69 with leucine.
Molecular consequence: missense variant.
Genome position (GRCh38, 1-based): chr14:75,049,451, C>A on the plus strand (G>T on the coding strand, the complement: MLH3 is on the minus strand). VCF-style: chr14-75049451-C-A. GRCh37 (hg19) VCF-style: chr14-75516154-C-A.
Other names: c.205G>T, p.Val69Leu (NM_014381.3); short protein forms V69L.
Identifiers: ClinVar variation 1785208 (VCV001785208.2), dbSNP rs2139611261, ClinGen allele CA390451352.

ClinVar aggregate classification (germline): Uncertain significance (1 of 4 stars; one submission).

Submission:

Ambry Genetics
Classification: Uncertain significance. Last evaluated: 2022-02-22. Review status: criteria provided, single submitter. Criteria: Ambry Variant Classification Scheme 2023. Collection method: clinical testing. Allele origin: germline.
Comment: The p.V69L variant (also known as c.205G>T), located in coding exon 1 of the MLH3 gene, results from a G to T substitution at nucleotide position 205. The valine at codon 69 is replaced by leucine, an amino acid with highly similar properties. This amino acid position is conserved. In addition, this alteration is predicted to be tolerated by in silico analysis. Since supporting evidence is limited at this time, the clinical significance of this alteration remains unclear.